The following is an entry in ClinVar:

NM_000264.5(PTCH1):c.2385C>G (p.Phe795Leu)

Genes: PTCH1 (patched 1; minus strand), LOC100507346 (uncharacterized LOC100507346; plus strand). Cytogenetic location: 9q22.32.
Variant type: single nucleotide variant.
Coding change: c.2385C>G on transcript NM_000264.5 (MANE Select); coding-DNA position 2385, C replaced by G.
Protein change: p.Phe795Leu; replaces phenylalanine 795 with leucine.
Molecular consequence: missense variant.
Genome position (GRCh38, 1-based): chr9:95,467,291, G>C on the plus strand (C>G on the coding strand, the complement: PTCH1 is on the minus strand). VCF-style: chr9-95467291-G-C. GRCh37 (hg19) VCF-style: chr9-98229573-G-C.
Other names: c.2187C>G, p.Phe729Leu (NM_001083602.3); c.2382C>G, p.Phe794Leu (NM_001083603.3); c.1932C>G, p.Phe644Leu (NM_001083604.3, NM_001083605.3, NM_001083606.3 and 1 more transcripts); c.2229C>G, p.Phe743Leu (NM_001354918.2); short protein forms F644L, F794L, F743L, F729L, F795L.
Identifiers: ClinVar variation 3311136 (VCV003311136.1).
Genomic context (GRCh38, chr9:95,467,291, plus strand): 5'-GATATTCGGGTAGTCTGCTTTCTGGGTGACTATATACATGTTGTAGAAAGAAAAGTATTT[G>C]AATTGTGCAGCAATAAAGTCATATTCTCTGGTTTCCCGAGGTACAATGTCCGTAAGGTCC-3'
Protein context (NP_000255.2, residues 785-805): TREYDFIAAQ[Phe795Leu]KYFSFYNMYI

ClinVar aggregate classification (germline): Uncertain significance (1 of 4 stars; one submission).

Conditions:
Hereditary cancer-predisposing syndrome. Also called: Neoplastic Syndromes, Hereditary; Tumor predisposition; Hereditary neoplastic syndrome; Hereditary Cancer Syndrome. Identifiers: Orphanet 140162, MedGen C0027672, MeSH D009386, MONDO:0015356.

Submission:

Ambry Genetics
Classification: Uncertain significance for Hereditary cancer-predisposing syndrome. Last evaluated: 2024-03-22. Review status: criteria provided, single submitter. Criteria: Ambry Variant Classification Scheme 2023. Collection method: clinical testing. Allele origin: germline.
Comment: The p.F795L variant (also known as c.2385C>G), located in coding exon 15 of the PTCH1 gene, results from a C to G substitution at nucleotide position 2385. The phenylalanine at codon 795 is replaced by leucine, an amino acid with highly similar properties. This amino acid position is conserved. In addition, this alteration is predicted to be deleterious by in silico analysis. Based on the available evidence, the clinical significance of this alteration remains unclear.